The following is an entry in ClinVar:

ClinVar aggregate classification (germline): Uncertain significance. Review status: criteria provided, multiple submitters, no conflicts (2 of 4 stars). 3 submissions from 3 submitters: Uncertain significance (3). Last evaluated 2025-08-17.

Conditions:
Mitochondrial complex II deficiency, nuclear type 1. Also called: SUCCINATE CoQ REDUCTASE DEFICIENCY. Identifiers: Orphanet 3208, MedGen C5700310, MONDO:0100294, OMIM 252011.
Pheochromocytoma/paraganglioma syndrome 5. Also called: Paragangliomas 5; SDHA-Related Hereditary Paraganglioma-Pheochromocytoma Syndrome. Identifiers: Orphanet 29072, MedGen C3279992, MONDO:0013602, OMIM 614165.
Hereditary cancer-predisposing syndrome. Also called: Neoplastic Syndromes, Hereditary; Hereditary Cancer Syndrome; Hereditary neoplastic syndrome; Tumor predisposition. Identifiers: Orphanet 140162, MedGen C0027672, MeSH D009386, MONDO:0015356.

Allele frequency attached by ClinVar (database versions not stated): gnomAD exomes 0.00001; TOPMed 0.00002.
gnomAD v4.1: 16 of 1,614,108 alleles (0.00099%); highest among the groups gnomAD compares: Non-Finnish European, 0.0014%; no homozygotes.

Submissions (3):

Labcorp Genetics (formerly Invitae), Labcorp
Classification: Uncertain significance for Pheochromocytoma/paraganglioma syndrome 5; Mitochondrial complex II deficiency, nuclear type 1. Last evaluated: 2025-08-17. Review status: criteria provided, single submitter. Criteria: Invitae Variant Classification Sherloc (09022015). Collection method: clinical testing. Allele origin: germline.
Comment: This sequence change replaces valine, which is neutral and non-polar, with methionine, which is neutral and non-polar, at codon 406 of the SDHA protein (p.Val406Met). This variant is not present in population databases (gnomAD no frequency). This variant has not been reported in the literature in individuals affected with SDHA-related conditions. ClinVar contains an entry for this variant (Variation ID: 486378). Invitae Evidence Modeling of protein sequence and biophysical properties (such as structural, functional, and spatial information, amino acid conservation, physicochemical variation, residue mobility, and thermodynamic stability) indicates that this missense variant is not expected to disrupt SDHA protein function with a negative predictive value of 95%. In summary, the available evidence is currently insufficient to determine the role of this variant in disease. Therefore, it has been classified as a Variant of Uncertain Significance.

Ambry Genetics
Classification: Uncertain significance for Hereditary cancer-predisposing syndrome. Last evaluated: 2024-09-05. Review status: criteria provided, single submitter. Criteria: Ambry Variant Classification Scheme 2023. Collection method: clinical testing. Allele origin: germline.
Comment: The p.V406M variant (also known as c.1216G>A), located in coding exon 9 of the SDHA gene, results from a G to A substitution at nucleotide position 1216. The valine at codon 406 is replaced by methionine, an amino acid with highly similar properties. This amino acid position is highly conserved in available vertebrate species. In addition, this alteration is predicted to be deleterious by in silico analysis. Since supporting evidence is limited at this time, the clinical significance of this alteration remains unclear.

GeneDx
Classification: Uncertain significance. Last evaluated: 2023-06-20. Review status: criteria provided, single submitter. Criteria: GeneDx Variant Classification Process June 2021. Collection method: clinical testing. Allele origin: germline. Affected: yes.
Comment: Not observed at significant frequency in large population cohorts (gnomAD); In silico analysis supports that this missense variant has a deleterious effect on protein structure/function; Has not been previously published as pathogenic or benign to our knowledge

NM_004168.4(SDHA):c.1216G>A (p.Val406Met)

Gene: SDHA (succinate dehydrogenase complex flavoprotein subunit A; plus strand). Cytogenetic location: 5p15.33.
Variant type: single nucleotide variant.
Coding change: c.1216G>A on transcript NM_004168.4 (MANE Select); coding-DNA position 1216, G replaced by A.
Protein change: p.Val406Met; replaces valine 406 with methionine.
Molecular consequence: missense variant.
Genome position (GRCh38, 1-based): chr5:235,295, G>A. VCF-style: chr5-235295-G-A. GRCh37 (hg19) VCF-style: chr5-235410-G-A.
Other names: c.1072G>A, p.Val358Met (NM_001294332.2); c.1216G>A, p.Val406Met (NM_001330758.2); short protein forms V406M, V358M.
Identifiers: ClinVar variation 486378 (VCV000486378.13), dbSNP rs1258201485, ClinGen allele CA359013684.